The following is an entry in ClinVar:

NM_000535.7(PMS2):c.1697C>T (p.Pro566Leu)

Gene: PMS2 (PMS1 homolog 2, mismatch repair system component; minus strand). Cytogenetic location: 7p22.1.
Variant type: single nucleotide variant.
Coding change: c.1697C>T on transcript NM_000535.7 (MANE Select); coding-DNA position 1697, C replaced by T.
Protein change: p.Pro566Leu; replaces proline 566 with leucine.
Molecular consequence: missense variant. On other transcripts: non-coding transcript variant (1).
Genome position (GRCh38, 1-based): chr7:5,987,068, G>A on the plus strand (C>T on the coding strand, the complement: PMS2 is on the minus strand). VCF-style: chr7-5987068-G-A. GRCh37 (hg19) VCF-style: chr7-6026699-G-A.
Other names: c.1292C>T, p.Pro431Leu (NM_001322003.2, NM_001322004.2, NM_001322005.2 and 1 more transcripts); c.1541C>T, p.Pro514Leu (NM_001322006.2); c.1379C>T, p.Pro460Leu (NM_001322007.2, NM_001322008.2); c.1136C>T, p.Pro379Leu (NM_001322010.2); c.764C>T, p.Pro255Leu (NM_001322011.2, NM_001322012.2); c.1124C>T, p.Pro375Leu (NM_001322013.2); c.1697C>T, p.Pro566Leu (NM_001322014.2); c.1388C>T, p.Pro463Leu (NM_001322015.2); short protein forms P255L, P375L, P379L, P431L, P460L, P463L, P514L, P566L.
Identifiers: ClinVar variation 1692458 (VCV001692458.2), dbSNP rs2128725121, ClinGen allele CA366741156.
Genomic context (GRCh38, chr7:5,987,068, plus strand): 5'-GAAAGAATTTCTTCTTTTTTAAAACGCTTTGTGTTTGGGGTTGCGAGATTAGTTGGCTGA[G>A]GCAAAACTCGAAATTTACATCCGGTATCTTCCTGGTTTGAATGGCAGTCCACATCTGAAA-3'
Protein context (NP_000526.2, residues 556-576): EDTGCKFRVL[Pro566Leu]QPTNLATPNT

ClinVar aggregate classification (germline): Uncertain significance. Review status: criteria provided, multiple submitters, no conflicts (2 of 4 stars). 2 submissions from 2 submitters: Uncertain significance (2). Last evaluated 2023-06-26.

Conditions:
Hereditary cancer-predisposing syndrome. Also called: Hereditary Cancer Syndrome; Hereditary neoplastic syndrome; Neoplastic Syndromes, Hereditary; Tumor predisposition. Identifiers: Orphanet 140162, MedGen C0027672, MeSH D009386, MONDO:0015356.
Lynch syndrome. Identifiers: Orphanet 144, MedGen C4552100, MONDO:0005835. Disease mechanism: loss of function.

Submissions (2):

All of Us Research Program, National Institutes of Health
Classification: Uncertain significance for Lynch syndrome. Last evaluated: 2023-06-26. Review status: criteria provided, single submitter. Criteria: ACMG Guidelines, 2015. Collection method: clinical testing. Allele origin: germline. Inheritance: Autosomal dominant inheritance. Observed: 1 variant allele, 1 heterozygote.
Comment: This missense variant replaces proline with leucine at codon 566 of the PMS2 protein. Computational prediction suggests that this variant may not impact protein structure and function (internally defined REVEL score threshold <= 0.5, PMID: 27666373). To our knowledge, functional studies have not been reported for this variant. This variant has not been reported in individuals affected with PMS2-related disorders in the literature. This variant has not been identified in the general population by the Genome Aggregation Database (gnomAD). The available evidence is insufficient to determine the role of this variant in disease conclusively. Therefore, this variant is classified as a Variant of Uncertain Significance.

This study involves interpretation of variants in research participants for the purpose of population health screening. Participant phenotype was not available at the time of variant classification. Additional details can be found in publication PMID: 35346344, PMCID: PMC8962531

Sema4
Classification: Uncertain significance for Hereditary cancer-predisposing syndrome. Last evaluated: 2021-12-01. Review status: criteria provided, single submitter. Criteria: Sema4 Curation Guidelines. Collection method: curation. Allele origin: germline.
Comment: To the best of our knowledge, the PMS2 c.1697C>T (p.P566L) variant has not been reported in individuals with PMS2-related disease. This variant is not reported in the population database Genome Aggregation Database (PMID: 32461654), nor in ClinVar. Functional studies have not been performed, and in silico predictions of the variant's effect on protein function are inconclusive. The evidence is insufficient to meet ACMG/AMP criteria for classifying the variant as benign or pathogenic. Thus, the clinical significance of this variant is currently uncertain.